The following is an entry in ClinVar:

NM_001205293.3(CACNA1E):c.750A>G (p.Ala250=)

Gene: CACNA1E (calcium voltage-gated channel subunit alpha1 E; plus strand). Cytogenetic location: 1q25.3.
Variant type: single nucleotide variant.
Coding change: c.750A>G on transcript NM_001205293.3 (MANE Select); coding-DNA position 750, A replaced by G.
Protein change: p.Ala250=; no amino-acid change (alanine 250 retained).
Molecular consequence: synonymous variant.
Genome position (GRCh38, 1-based): chr1:181,579,205, A>G. VCF-style: chr1-181579205-A-G. GRCh37 (hg19) VCF-style: chr1-181548341-A-G.
Other names: p.Ala250=; c.750A>G, p.Ala250= (NM_000721.4, NM_001205294.2).
Identifiers: ClinVar variation 1235741 (VCV001235741.15), dbSNP rs17443123, ClinGen allele CA1274946.

ClinVar aggregate classification (germline): Benign. Review status: criteria provided, multiple submitters, no conflicts (2 of 4 stars). 6 submissions from 6 submitters: Benign (5). 1 of the submissions does not count toward it. Last evaluated 2026-02-04.

Conditions:
CACNA1E-related disorder. Also called: CACNA1E-related condition.
Developmental and epileptic encephalopathy, 69. Also called: EPILEPTIC ENCEPHALOPATHY, EARLY INFANTILE, 69. Identifiers: MedGen C4748988, MONDO:0032657, OMIM 618285.

Allele frequency attached by ClinVar (database versions not stated): TOPMed 0.09751; ExAC 0.10697; 1000 Genomes Project 0.06410; 1000 Genomes Project 30x 0.06465; gnomAD 0.10021 and 0.09812; gnomAD exomes 0.10419 and 0.12913; ESP Exome Variant Server 0.10927.
gnomAD v4.1: 202,798 of 1,612,722 alleles (13%); highest among the groups gnomAD compares: Middle Eastern, 15%; 13,868 homozygotes.

Submissions (6):

Labcorp Genetics (formerly Invitae), Labcorp
Classification: Benign. Last evaluated: 2026-02-04. Review status: criteria provided, single submitter. Criteria: Invitae Variant Classification Sherloc (09022015). Collection method: clinical testing. Allele origin: germline.

Genome-Nilou Lab
Classification: Benign for Developmental and epileptic encephalopathy, 69. Last evaluated: 2023-04-11. Review status: criteria provided, single submitter. Criteria: ACMG Guidelines, 2015. Collection method: clinical testing. Allele origin: germline. Affected: no.

Mayo Clinic Laboratories, Mayo Clinic
Classification: Benign. Last evaluated: 2021-11-29. Review status: criteria provided, single submitter. Criteria: ACMG Guidelines, 2015. Collection method: clinical testing. Allele origin: germline. Observed: 68 variant alleles.

GeneDx
Classification: Benign. Last evaluated: 2021-04-02. Review status: criteria provided, single submitter. Criteria: GeneDx Variant Classification Process June 2021. Collection method: clinical testing. Allele origin: germline. Affected: yes.

Breakthrough Genomics
Classification: Benign. Review status: criteria provided, single submitter. Criteria: ACMG Guidelines, 2015. Collection method: not provided. Allele origin: germline. Inheritance: Autosomal dominant inheritance. Affected: yes.

PreventionGenetics, part of Exact Sciences
Classification: Benign for CACNA1E-related condition. Last evaluated: 2019-10-25. Review status: no assertion criteria provided. Collection method: clinical testing. Allele origin: germline. Not counted in ClinVar's aggregate classification.
Comment: This variant is classified as benign based on ACMG/AMP sequence variant interpretation guidelines (Richards et al. 2015 PMID: 25741868, with internal and published modifications).